The following is an entry in ClinVar:

NM_000180.4(GUCY2D):c.912C>A (p.Ala304=)

Gene: GUCY2D (guanylate cyclase 2D, retinal; plus strand). Cytogenetic location: 17p13.1.
Variant type: single nucleotide variant.
Coding change: c.912C>A on transcript NM_000180.4 (MANE Select); coding-DNA position 912, C replaced by A.
Protein change: p.Ala304=; no amino-acid change (alanine 304 retained).
Molecular consequence: synonymous variant.
Genome position (GRCh38, 1-based): chr17:8,004,042, C>A. VCF-style: chr17-8004042-C-A. GRCh37 (hg19) VCF-style: chr17-7907360-C-A.
Other names: c.912C>A (NM_000180.3).
Identifiers: ClinVar variation 1621601 (VCV001621601.9), dbSNP rs534270598, ClinGen allele CA8365597.

ClinVar aggregate classification (germline): Likely benign. Review status: criteria provided, multiple submitters, no conflicts (2 of 4 stars). 2 submissions from 2 submitters: Likely benign (2). Last evaluated 2026-04-07.

Conditions:
Cone-rod dystrophy 6 (CORD6). Also called: RETINAL CONE DYSTROPHY 2; Cone dystrophy progressive. Identifiers: Orphanet 1872, MedGen C1866293, MONDO:0011143, OMIM 601777.
Leber congenital amaurosis 1 (LCA1). Also called: RETINAL BLINDNESS, CONGENITAL; AMAUROSIS CONGENITA OF LEBER I; Congenital absence of the rods and cones; Leber's congenital tapetoretinal degeneration; Leber's congenital tapetoretinal dysplasia. Identifiers: Orphanet 65, MedGen C2931258, MONDO:0008764, OMIM 204000.
GUCY2D-related disorder. Also called: GUCY2D-related condition.

Allele frequency attached by ClinVar (database versions not stated): gnomAD exomes 0.00002; ExAC 0.00003; gnomAD 0.00006; TOPMed 0.00008; 1000 Genomes Project 30x 0.00016; 1000 Genomes Project 0.00020.
gnomAD v4.1: 39 of 1,610,814 alleles (0.0024%); highest among the groups gnomAD compares: African/African-American, 0.023%; no homozygotes.

Submissions (2):

PreventionGenetics, part of Exact Sciences
Classification: Likely benign for GUCY2D-related condition. Last evaluated: 2026-04-07. Review status: criteria provided, single submitter. Criteria: ACMG Guidelines, 2015. Collection method: clinical testing. Allele origin: germline.
Comment: This variant is classified as likely benign based on ACMG/AMP sequence variant interpretation guidelines (Richards et al. 2015 PMID: 25741868, with internal and published modifications).

Labcorp Genetics (formerly Invitae), Labcorp
Classification: Likely benign for Leber congenital amaurosis 1; Cone-rod dystrophy 6. Last evaluated: 2024-07-22. Review status: criteria provided, single submitter. Criteria: Invitae Variant Classification Sherloc (09022015). Collection method: clinical testing. Allele origin: germline.